The following is an entry in ClinVar:

ClinVar aggregate classification (germline): Uncertain significance (1 of 4 stars; one submission).

Allele frequency attached by ClinVar (database versions not stated): gnomAD exomes below 0.00001.
gnomAD v4.1: 2 of 1,612,732 alleles (0.00012%); highest among the groups gnomAD compares: Non-Finnish European, 0.00017%; no homozygotes.

Submission:

GeneDx
Classification: Uncertain significance. Last evaluated: 2019-11-04. Review status: criteria provided, single submitter. Criteria: GeneDx Variant Classification Process June 2021. Collection method: clinical testing. Allele origin: germline. Affected: yes.
Comment: Has not been previously published as pathogenic or benign to our knowledge; Not observed in large population cohorts (Lek et al., 2016); In silico analysis, which includes protein predictors and evolutionary conservation, supports that this variant does not alter protein structure/function

NM_182931.3(KMT2E):c.5551A>G (p.Asn1851Asp)

Gene: KMT2E (lysine methyltransferase 2E (inactive); plus strand). Cytogenetic location: 7q22.3.
Variant type: single nucleotide variant.
Coding change: c.5551A>G on transcript NM_182931.3 (MANE Select); coding-DNA position 5551, A replaced by G.
Protein change: p.Asn1851Asp; replaces asparagine 1851 with aspartic acid.
Molecular consequence: missense variant.
Genome position (GRCh38, 1-based): chr7:105,113,307, A>G. VCF-style: chr7-105113307-A-G. GRCh37 (hg19) VCF-style: chr7-104753754-A-G.
Other names: c.5551A>G, p.Asn1851Asp (NM_018682.4); short protein forms N1851D.
Identifiers: ClinVar variation 1309791 (VCV001309791.2), dbSNP rs2129570305, ClinGen allele CA368795420.